The following is an entry in ClinVar:

NM_020223.4(FAM20C):c.298T>A (p.Ser100Thr)

Gene: FAM20C (FAM20C golgi associated secretory pathway kinase; plus strand). Cytogenetic location: 7p22.3.
Variant type: single nucleotide variant.
Coding change: c.298T>A on transcript NM_020223.4 (MANE Select); coding-DNA position 298, T replaced by A.
Protein change: p.Ser100Thr; replaces serine 100 with threonine.
Molecular consequence: missense variant.
Genome position (GRCh38, 1-based): chr7:193,497, T>A. VCF-style: chr7-193497-T-A. GRCh37 (hg19) VCF-style: chr7-193497-T-A.
Other names: c.298T>A (NM_020223.2); short protein forms S100T.
Identifiers: ClinVar variation 1419539 (VCV001419539.7), dbSNP rs1221964833, ClinGen allele CA366523270.

ClinVar aggregate classification (germline): Uncertain significance. Review status: criteria provided, multiple submitters, no conflicts (2 of 4 stars). 2 submissions from 2 submitters: Uncertain significance (2). Last evaluated 2022-04-07.

Conditions:
Inborn genetic diseases. Identifiers: MedGen C0950123, MeSH D030342.

Allele frequency attached by ClinVar (database versions not stated): gnomAD exomes 0.00001 and 0.00002; TOPMed 0.00002.
gnomAD v4.1: 23 of 1,503,338 alleles (0.0015%); highest among the groups gnomAD compares: Non-Finnish European, 0.0019%; no homozygotes.

Submissions (2):

Ambry Genetics
Classification: Uncertain significance for Inborn genetic diseases. Last evaluated: 2022-04-07. Review status: criteria provided, single submitter. Criteria: Ambry Variant Classification Scheme 2023. Collection method: clinical testing. Allele origin: germline.

Labcorp Genetics (formerly Invitae), Labcorp
Classification: Uncertain significance. Last evaluated: 2021-09-05. Review status: criteria provided, single submitter. Criteria: Invitae Variant Classification Sherloc (09022015). Collection method: clinical testing. Allele origin: germline.
Comment: This sequence change replaces serine with threonine at codon 100 of the FAM20C protein (p.Ser100Thr). The serine residue is weakly conserved and there is a small physicochemical difference between serine and threonine. In summary, the available evidence is currently insufficient to determine the role of this variant in disease. Therefore, it has been classified as a Variant of Uncertain Significance. Algorithms developed to predict the effect of missense changes on protein structure and function are either unavailable or do not agree on the potential impact of this missense change (SIFT: "Deleterious"; PolyPhen-2: "Probably Damaging"; Align-GVGD: "Class C0"). This variant has not been reported in the literature in individuals affected with FAM20C-related conditions. The frequency data for this variant in the population databases is considered unreliable, as metrics indicate insufficient coverage at this position in the ExAC database.